The following continues an entry in ClinVar:

NM_000051.4(ATM):c.2251-10T>G

Gene: ATM. ClinVar aggregate classification (germline): Pathogenic/Likely pathogenic. Pathogenic (12); Likely pathogenic (3).

Submissions 7 to 16 of 16:

GeneDx
Classification: Pathogenic. Last evaluated: 2024-08-03. Review status: criteria provided, single submitter. Criteria: GeneDx Variant Classification Process June 2021. Collection method: clinical testing. Allele origin: germline. Affected: yes.
Comment: Observed as a single heterozygous variant in individuals with breast, pancreatic, or other cancers (PMID: 28779002, 29922827, 32081490); Functional studies demonstrate abnormal splicing: creation of a new splice acceptor site resulting in the addition of nine nucleotides and subsequent protein truncation (PMID: 9443866, 10330348, External communication with Ambry Genetics); Not observed at significant frequency in large population cohorts (gnomAD); In silico analysis supports a deleterious effect on splicing; Also known as ATM IVS16-10T>G; This variant is associated with the following publications: (PMID: 28281021, 29922827, 16014569, 12497634, 10330348, 26681312, 16141195, 9463314, 27304073, 21792198, 28182994, 12673797, 9443866, 28779002, 12552559, 31447099, 35626031, 32081490, 34570182, 34539671, 10873394)

Molecular Pathology, Peter Maccallum Cancer Centre
Classification: Pathogenic for Ataxia-telangiectasia syndrome. Last evaluated: 2024-02-26. Review status: criteria provided, single submitter. Criteria: ACMG Guidelines, 2015. Collection method: clinical testing. Allele origin: germline. Inheritance: Autosomal recessive inheritance.

Baylor Genetics
Classification: Pathogenic for Familial cancer of breast. Last evaluated: 2024-02-09. Review status: criteria provided, single submitter. Criteria: ACMG Guidelines, 2015. Collection method: clinical testing. Allele origin: unknown.

Myriad Genetics, Inc.
Classification: Likely pathogenic for Familial cancer of breast. Last evaluated: 2024-01-17. Review status: criteria provided, single submitter. Criteria: Myriad Autosomal Dominant, Autosomal Recessive and X-Linked Classification Criteria (2023). Collection method: clinical testing. Allele origin: unknown.
Comment: This variant is considered likely pathogenic. mRNA analysis has demonstrated abnormal mRNA splicing occurs [Myriad internal data]. This variant has been reported in multiple individuals with clinical features of gene-specific disease [PMID: 9443866, 9463314, 10330348, 10873394, 12552559].

Women's Health and Genetics/Laboratory Corporation of America, LabCorp
Classification: Pathogenic for Ataxia-telangiectasia syndrome. Last evaluated: 2023-12-18. Review status: criteria provided, single submitter. Criteria: LabCorp Variant Classification Summary - May 2015. Collection method: clinical testing. Allele origin: germline.
Comment: Variant summary: ATM c.2251-10T>G alters a conserved nucleotide located at a position not widely known to affect splicing. Several computational tools predict a significant impact on normal splicing: Four predict the variant creates a 3' acceptor site. Two predict the variant abolishes a 3' acceptor site. Experimental evidence in support of these predictions demonstrated the variant to create a novel splice site and cause the insertion of 9 nucleotides eventually leading to truncation of the protein (Teraoka_1999). The variant allele was found at a frequency of 1.1e-05 in 275962 control chromosomes (gnomAD). c.2251-10T>G has been reported in the literature in multiple individuals affected with Ataxia-Telangiectasia (Reiman_2011, Buzin_2003, Becker-Catania_2000, Telatar_1998). The variant has also been reported in individuals affected with breast and pancreatic cancer (Hu_2018, Susswein_2016). These data indicate that the variant is very likely to be associated with disease. The following publications have been ascertained in the context of this evaluation (PMID: 12552559, 10330348, 10873394, 26681312, 21792198, 9443866, 28281021, 29922827, 28182994). Ten submitters have cited clinical-significance assessments for this variant to ClinVar after 2014 and classified as pathogenic/likely pathogenic (n=9) and VUS (n=1). Based on the evidence outlined above, the variant was classified as pathogenic.

Department of Pathology and Laboratory Medicine, Sinai Health System
Classification: Likely pathogenic for Familial cancer of breast; Ataxia-telangiectasia syndrome. Last evaluated: 2022-06-29. Review status: criteria provided, single submitter. Criteria: ACMG Guidelines, 2015. Collection method: clinical testing. Allele origin: germline. Affected: no.

Sema4
Classification: Pathogenic for Hereditary cancer-predisposing syndrome. Last evaluated: 2021-04-22. Review status: criteria provided, single submitter. Criteria: Sema4 Curation Guidelines. Collection method: curation. Allele origin: germline.
Comment: The ATM c.2251-10T>G intronic variant has been reported in compound heterozygous or homozygous state in individuals with ataxia-telangiectasia (PMID: 9443866, 21792198, 9463314, 10330348). In addition, the variant has been reported in patients with breast cancer and uveal melanoma (PMID: 26681312, 32081490, 31447099, 12497634, 28779002). This variant was observed in 3/129008 chromosomes in the Non-Finnish European population according to the Genome Aggregation Database (PMID: 32461654). This variant has been reported in ClinVar (Variation ID: 181926). In silico tools suggest that this variant alters normal RNA splicing by creating a strong acceptor splice site 9 nucleotides upstream of the canonical splice site, resulting in a truncated or absent protein. These predictions are supported by experimental data (PMID: 10330348, 28182994). Based on the current evidence available, this variant is interpreted as pathogenic.

ARUP Laboratories, Molecular Genetics and Genomics, ARUP Laboratories
Classification: Pathogenic for Ataxia-telangiectasia syndrome. Last evaluated: 2018-12-27. Review status: criteria provided, single submitter. Criteria: ARUP Molecular Germline Variant Investigation Process. Collection method: clinical testing. Allele origin: germline.
Comment: The ATM c.2251-10T>G variant (rs730881346), also known as IVS16-10T>G, is reported in the literature in multiple individuals with ataxia-telangiectasia, both in the homozygous state and in trans to other pathogenic variants (Becker-Catania 2000, Buzin 2003, Stankovic 1998, Telatar 1998). This variant has also been reported in an individual affected with breast cancer (Susswein 2016). The c.2251-10T>G variant is reported as pathogenic/likely pathogenic by multiple laboratories in ClinVar (Variation ID: 181926), and it is found on only three chromosomes in the Genome Aggregation Database, indicating it is not a common polymorphism. This is an intronic variant in a moderately conserved nucleotide, and computational analyses (Alamut v.2.11) predict that this variant impacts splicing by creating a novel cryptic acceptor splice site, leading to inclusion of nine nucleotides containing a premature stop codon. RNA studies from patient cells containing this variant support this effect on splicing (Teraoka 1999), and immunoblotting performed on cells homozygous for this variant indicate no detectable ATM variant present (Stankovic 1998, Wang 2017). Based on available information, this variant is considered to be pathogenic. References: Becker-Catania SG et al. Ataxia-telangiectasia: phenotype/genotype studies of ATM protein expression, mutations, and radiosensitivity. Mol Genet Metab. 2000 Jun;70(2):122-33. Buzin CH et al. Comprehensive scanning of the ATM gene with DOVAM-S. Hum Mutat. 2003 Feb;21(2):123-31. Stankovic T et al. ATM mutations and phenotypes in ataxia-telangiectasia families in the British Isles: expression of mutant ATM and the risk of leukemia, lymphoma, and breast cancer. Am J Hum Genet. 1998 Feb;62(2):334-45. Susswein LR et al. Pathogenic and likely pathogenic variant prevalence among the first 10,000 patients referred for next-generation cancer panel testing. Genet Med. 2016 Aug;18(8):823-32. Telatar M et al. Ataxia-telangiectasia: identification and detection of founder-effect mutations in the ATM gene in ethnic populations. Am J Hum Genet. 1998 Jan;62(1):86-97. Teraoka SN et al. Splicing defects in the ataxia-telangiectasia gene, ATM: underlying mutations and consequences. Am J Hum Genet. 1999 Jun;64(6):1617-31. Wang C et al. ATM-Deficient Colorectal Cancer Cells Are Sensitive to the PARP Inhibitor Olaparib. Transl Oncol. 2017 Apr;10(2):190-196.

Fulgent Genetics
Classification: Likely pathogenic for Familial cancer of breast; Ataxia-telangiectasia syndrome. Last evaluated: 2017-05-18. Review status: criteria provided, single submitter. Criteria: ACMG Guidelines, 2015. Collection method: clinical testing. Allele origin: unknown.

Counsyl
Classification: Likely pathogenic for Ataxia-telangiectasia syndrome. Last evaluated: 2017-02-09. Review status: no assertion criteria provided. Collection method: clinical testing. Allele origin: unknown. Not counted in ClinVar's aggregate classification.

Literature cited by the submitters: PubMed 9443866 (cited by 9 submitters); PubMed 9463314 (cited by 7 submitters); PubMed 10330348 (cited by 8 submitters); PubMed 10873394 (cited by 9 submitters); PubMed 12552559 (cited by 8 submitters); PubMed 26681312 (cited by 7 submitters); PubMed 21792198 (cited by 7 submitters); PubMed 28182994 (cited by 6 submitters); PubMed 28281021 (cited by 3 submitters); PubMed 28779002 (cited by 4 submitters); PubMed 29922827 (cited by 3 submitters); PubMed 34539671 (cited by 3 submitters); PubMed 35626031 (cited by Color Diagnostics, LLC DBA Color Health and Quest Diagnostics Nichols Institute San Juan Capistrano); PubMed 37345735 (cited by Color Diagnostics, LLC DBA Color Health and Quest Diagnostics Nichols Institute San Juan Capistrano); PubMed 12497634 (cited by Ambry Genetics and Sema4); PubMed 16014569 (cited by Quest Diagnostics Nichols Institute San Juan Capistrano); PubMed 12673797 (cited by Quest Diagnostics Nichols Institute San Juan Capistrano); PubMed 31447099 (cited by Quest Diagnostics Nichols Institute San Juan Capistrano and Sema4); PubMed 32081490 (cited by Quest Diagnostics Nichols Institute San Juan Capistrano and Sema4); PubMed 37450374 (cited by Quest Diagnostics Nichols Institute San Juan Capistrano); PubMed 36179682 (cited by Quest Diagnostics Nichols Institute San Juan Capistrano); PubMed 38201484 (cited by Quest Diagnostics Nichols Institute San Juan Capistrano); PubMed 37833309 (cited by Quest Diagnostics Nichols Institute San Juan Capistrano).